The following is an entry in ClinVar:

ClinVar aggregate classification (germline): Pathogenic/Likely pathogenic. Review status: criteria provided, multiple submitters, no conflicts (2 of 4 stars). 6 submissions from 6 submitters: Pathogenic (1); Likely pathogenic (4). 1 of the submissions does not count toward it. Last evaluated 2026-01-19.

Conditions:
TCIRG1-related disorder. Also called: TCIRG1-related condition.
Autosomal recessive osteopetrosis 1. Also called: TCIRG1-Related Osteopetrosis; ALBERS-SCHONBERG DISEASE, AUTOSOMAL RECESSIVE; TCIRG1-Related Autosomal Recessive Osteopetrosis. Identifiers: Orphanet 667, MedGen C1850127, MONDO:0009815, OMIM 259700.

Submissions (6):

Labcorp Genetics (formerly Invitae), Labcorp
Classification: Likely pathogenic. Last evaluated: 2026-01-19. Review status: criteria provided, single submitter. Criteria: Invitae Variant Classification Sherloc (09022015). Collection method: clinical testing. Allele origin: germline.
Comment: This variant, c.1384_1386del, results in the deletion of 1 amino acid(s) of the TCIRG1 protein (p.Asn462del), but otherwise preserves the integrity of the reading frame. This variant is present in population databases (rs771271907, gnomAD 0.007%). This variant has been observed in individuals with autosomal recessive osteopetrosis (PMID: 11532986, 15300850, 38178268; internal data). This variant is also known as Del 8749-8751, g.8749_8751delACA, c.1382_1384del, or c.1382_1384delACA. ClinVar contains an entry for this variant (Variation ID: 1065117). Experimental studies and prediction algorithms are not available or were not evaluated, and the functional significance of this variant is currently unknown. In summary, the currently available evidence indicates that the variant is pathogenic, but additional data are needed to prove that conclusively. Therefore, this variant has been classified as Likely Pathogenic.

Natera, Inc.
Classification: Likely pathogenic for Infantile malignant osteopetrosis. Last evaluated: 2026-01-08. Review status: criteria provided, single submitter. Criteria: Natera Variant Classification Schema (03/2026). Collection method: clinical testing. Allele origin: germline.
Comment: The c.1384_1386delAAC variant in TCIRG1 is an in-frame deletion predicted to remove asparagine at amino acid 462 while preserving the reading frame. This variant is rare in the general population with a frequency below the threshold expected for the associated phenotype(s). This variant has been observed in one or more individuals affected with the associated recessive disease, as either homozygous or compound heterozygous with a second variant (PMID: 37189924, 34095139, 11532986). This variant results in a change to the protein length while preserving reading frame, which may disrupt normal protein structure or function. Computational prediction algorithms indicate this variant is likely to affect gene or protein function. Given the available evidence, this variant is classified as Likely Pathogenic.

Myriad Genetics, Inc.
Classification: Likely pathogenic for Autosomal recessive osteopetrosis 1. Last evaluated: 2025-05-18. Review status: criteria provided, single submitter. Criteria: Myriad Autosomal Dominant, Autosomal Recessive and X-Linked Classification Criteria (2023). Collection method: clinical testing. Allele origin: unknown.
Comment: NM_006019.3(TCIRG1):c.1384_1386delAAC(N462del) is an in-frame deletion classified as likely pathogenic in the context of autosomal recessive osteopetrosis type 1. N462del has been observed in cases with relevant disease (PMID: 11532986, 11532986, 34095139, Buyukinan_2024_(Abstract)). Relevant functional assessments of this variant are not available in the literature. N462del has been observed in referenced population frequency databases. In summary, NM_006019.3(TCIRG1):c.1384_1386delAAC(N462del) is an in-frame deletion that has been observed more frequently in cases with the relevant disease than in healthy populations. Please note: this variant was assessed in the context of healthy population screening.

Blueprint Genetics
Classification: Pathogenic for TCIRG1-related disorders. Last evaluated: 2019-08-13. Review status: criteria provided, single submitter. Criteria: ACMG Guidelines, 2015. Collection method: clinical testing. Allele origin: germline. Affected: yes. Observed: 1 variant allele.

Juno Genomics, Hangzhou Juno Genomics, Inc
Classification: Likely pathogenic for Autosomal recessive osteopetrosis 1. Review status: criteria provided, single submitter. Criteria: ACMG Guidelines, 2015. Collection method: clinical testing. Allele origin: germline.
Comment: Absent from controls (or at extremely low frequency if recessive) in Genome Aggregation Database.;Protein length changes due to in-frame deletions/insertions in a non-repeat region or stop-loss variants.;For recessive disorders, detected in trans with a pathogenic variant.;Patient's phenotype or family history is highly specific for a disease with a single genetic etiology.

Hereditary Research Laboratory, Bethlehem University
Classification: Pathogenic for Autosomal recessive osteopetrosis 1. Last evaluated: 2021-04-23. Review status: no assertion criteria provided. Collection method: clinical testing. Allele origin: germline. Affected: yes. Not counted in ClinVar's aggregate classification.

Literature cited by the submitters: PubMed 11532986 (cited by Labcorp Genetics (formerly Invitae), Labcorp and Natera, Inc.); PubMed 15300850 (cited by Labcorp Genetics (formerly Invitae), Labcorp); PubMed 38178268 (cited by Labcorp Genetics (formerly Invitae), Labcorp); PubMed 37189924 (cited by Natera, Inc.); PubMed 34095139 (cited by Natera, Inc.).

NM_006019.4(TCIRG1):c.1384_1386del (p.Asn462del)

Gene: TCIRG1 (T cell immune regulator 1, ATPase H+ transporting V0 subunit a3; plus strand). Cytogenetic location: 11q13.2.
Variant type: Deletion.
Coding change: c.1384_1386del on transcript NM_006019.4 (MANE Select); coding-DNA positions 1384 to 1386, 3 bases deleted (AAC; older notation c.1384_1386delAAC).
Protein change: p.Asn462del; deletes asparagine 462.
Molecular consequence: inframe deletion.
Genome position (GRCh38, 1-based): chr11:68,047,725-68,047,727, AAC deleted; deleting any 3 consecutive bases within chr11:68,047,723-68,047,727 gives the same sequence; the c. name uses the placement nearest the transcript's 3' end. VCF-style (leftmost placement, unchanged base first): chr11-68047722-TACA-T. GRCh37 (hg19) VCF-style: chr11-67815189-TACA-T.
Other names: c.490_492del, p.Asn164del (NM_001351059.2); c.736_738del, p.Asn246del (NM_006053.4); c.1384_1386delAAC (NM_006019.3); short protein forms N164del, N246del, N462del.
Identifiers: ClinVar variation 1065117 (VCV001065117.8), dbSNP rs771271907, ClinGen allele CA501026.